The following is an entry in ClinVar:

ClinVar aggregate classification (germline): Uncertain significance (1 of 4 stars; one submission).

Allele frequency attached by ClinVar (database versions not stated): gnomAD exomes below 0.00001.
gnomAD v4.1: 1 of 1,612,486 alleles (0.000062%); highest among the groups gnomAD compares: Non-Finnish European, 0.000085%; no homozygotes.

Submission:

CeGaT Center for Human Genetics Tuebingen
Classification: Uncertain significance. Last evaluated: 2022-04-01. Review status: criteria provided, single submitter. Criteria: CeGaT Center For Human Genetics Tuebingen Variant Classification Criteria Version 2. Collection method: clinical testing. Allele origin: germline. Affected: yes. Observed: 1 variant allele.
Comment: MAPK8IP3: PM2, BP4

NM_001318852.2(MAPK8IP3):c.3602C>T (p.Pro1201Leu)

Gene: MAPK8IP3 (mitogen-activated protein kinase 8 interacting protein 3; plus strand). Cytogenetic location: 16p13.3.
Variant type: single nucleotide variant.
Coding change: c.3602C>T on transcript NM_001318852.2 (MANE Select); coding-DNA position 3602, C replaced by T.
Protein change: p.Pro1201Leu; replaces proline 1201 with leucine.
Molecular consequence: missense variant.
Genome position (GRCh38, 1-based): chr16:1,768,238, C>T. VCF-style: chr16-1768238-C-T. GRCh37 (hg19) VCF-style: chr16-1818239-C-T.
Other names: c.3581C>T, p.Pro1194Leu (NM_001040439.2); c.3599C>T, p.Pro1200Leu (NM_015133.5, NM_033392.3); short protein forms P1194L, P1200L, P1201L.
Identifiers: ClinVar variation 2645939 (VCV002645939.24), dbSNP rs2548118847, ClinGen allele CA394239115.